The following is an entry in ClinVar:

NM_002335.4(LRP5):c.4528C>G (p.Leu1510Val)

Gene: LRP5 (LDL receptor related protein 5; plus strand). Cytogenetic location: 11q13.2.
Variant type: single nucleotide variant.
Coding change: c.4528C>G on transcript NM_002335.4 (MANE Select); coding-DNA position 4528, C replaced by G.
Protein change: p.Leu1510Val; replaces leucine 1510 with valine.
Molecular consequence: missense variant.
Genome position (GRCh38, 1-based): chr11:68,446,475, C>G. VCF-style: chr11-68446475-C-G. GRCh37 (hg19) VCF-style: chr11-68213943-C-G.
Other names: c.2785C>G, p.Leu929Val (NM_001291902.2); short protein forms L929V, L1510V.
Identifiers: ClinVar variation 2804211 (VCV002804211.4), dbSNP rs774530181, ClinGen allele CA6150420.

ClinVar aggregate classification (germline): Uncertain significance. Review status: criteria provided, multiple submitters, no conflicts (2 of 4 stars). 2 submissions from 2 submitters: Uncertain significance (2). Last evaluated 2024-04-22.

Conditions:
Bone mineral density quantitative trait locus 1 (BMND1). Identifiers: MedGen C1866079, OMIM 601884.
Worth disease. Also called: ENDOSTEAL HYPEROSTOSIS, AUTOSOMAL DOMINANT; OSTEOSCLEROSIS, AUTOSOMAL DOMINANT; Autosomal dominant osteosclerosis, Worth type. Identifiers: Orphanet 2790, MedGen C0432273, MONDO:0007764, OMIM 144750.
Osteoporosis with pseudoglioma (OPPG). Also called: osteoporosis-pseudoglioma syndrome. Identifiers: Orphanet 2788, MedGen C0432252, MONDO:0009820, OMIM 259770.
Polycystic liver disease 4 with or without kidney cysts. Identifiers: MedGen C4693479, MONDO:0044327, OMIM 617875.
Exudative vitreoretinopathy 4 (EVR4). Identifiers: Orphanet 891, MedGen C1866176, MONDO:0011151, OMIM 601813.
Autosomal dominant osteopetrosis 1 (OPTA1). Also called: OSTEOPETROSIS, AUTOSOMAL DOMINANT, TYPE I. Identifiers: Orphanet 2783, MedGen C1843330, MONDO:0011877, OMIM 607634.

Allele frequency attached by ClinVar (database versions not stated): TOPMed below 0.00001; gnomAD 0.00002.
gnomAD v4.1: 3 of 1,614,170 alleles (0.00019%); highest among the groups gnomAD compares: Non-Finnish European, 0.00025%; no homozygotes.

Submissions (2):

Fulgent Genetics
Classification: Uncertain significance for Worth disease; Osteoporosis with pseudoglioma; Exudative vitreoretinopathy 4; Bone mineral density quantitative trait locus 1; Autosomal dominant osteopetrosis 1; Polycystic liver disease 4 with or without kidney cysts. Last evaluated: 2024-04-22. Review status: criteria provided, single submitter. Criteria: ACMG Guidelines, 2015. Collection method: clinical testing. Allele origin: germline.

Labcorp Genetics (formerly Invitae), Labcorp
Classification: Uncertain significance. Last evaluated: 2023-09-10. Review status: criteria provided, single submitter. Criteria: Invitae Variant Classification Sherloc (09022015). Collection method: clinical testing. Allele origin: germline.
Comment: In summary, the available evidence is currently insufficient to determine the role of this variant in disease. Therefore, it has been classified as a Variant of Uncertain Significance. Advanced modeling of protein sequence and biophysical properties (such as structural, functional, and spatial information, amino acid conservation, physicochemical variation, residue mobility, and thermodynamic stability) performed at Invitae indicates that this missense variant is not expected to disrupt LRP5 protein function. This variant has not been reported in the literature in individuals affected with LRP5-related conditions. This variant is present in population databases (rs774530181, gnomAD 0.0009%). This sequence change replaces leucine, which is neutral and non-polar, with valine, which is neutral and non-polar, at codon 1510 of the LRP5 protein (p.Leu1510Val).